The following is an entry in ClinVar:

NM_004415.4(DSP):c.7613T>A (p.Leu2538His)

Gene: DSP (desmoplakin; plus strand). Cytogenetic location: 6p24.3.
Variant type: single nucleotide variant.
Coding change: c.7613T>A on transcript NM_004415.4 (MANE Select); coding-DNA position 7613, T replaced by A.
Protein change: p.Leu2538His; replaces leucine 2538 with histidine.
Molecular consequence: missense variant.
Genome position (GRCh38, 1-based): chr6:7,584,875, T>A. VCF-style: chr6-7584875-T-A. GRCh37 (hg19) VCF-style: chr6-7585108-T-A.
Other names: c.5816T>A, p.Leu1939His (NM_001008844.3); c.6284T>A, p.Leu2095His (NM_001319034.2); short protein forms L1939H, L2095H, L2538H.
Identifiers: ClinVar variation 3073121 (VCV003073121.2), dbSNP rs1454619496, ClinGen allele CA362693398.
Genomic context (GRCh38, chr6:7,584,875, plus strand): 5'-TCCTGGTAGATAGAAAGACAGGCAGTCAGTATGATATTCAAGATGCTATTGACAAGGGCC[T>A]TGTTGACAGGAAGTTCTTTGATCAGTACCGATCCGGCAGCCTCAGCCTCACTCAATTTGC-3'
Protein context (NP_004406.2, residues 2528-2548): YDIQDAIDKG[Leu2538His]VDRKFFDQYR

ClinVar aggregate classification (germline): Uncertain significance. Review status: criteria provided, multiple submitters, no conflicts (2 of 4 stars). 2 submissions from 2 submitters: Uncertain significance (2). Last evaluated 2026-03-11.

Conditions:
Cardiovascular phenotype. Identifiers: MedGen CN230736.
Arrhythmogenic cardiomyopathy with wooly hair and keratoderma. Also called: Carvajal syndrome; PALMOPLANTAR KERATODERMA WITH LEFT VENTRICULAR CARDIOMYOPATHY AND WOOLLY HAIR; Dilated cardiomyopathy with woolly hair and keratoderma; Arrhythmogenic cardiomyopathy with woolly hair and keratoderma. Identifiers: Orphanet 65282, MedGen C1854063, MONDO:0011581, OMIM 605676.

Allele frequency attached by ClinVar (database versions not stated): gnomAD exomes below 0.00001.
gnomAD v4.1: 3 of 1,614,168 alleles (0.00019%); highest among the groups gnomAD compares: South Asian, 0.0011%; no homozygotes.

Submissions (2):

Ambry Genetics
Classification: Uncertain significance for Cardiovascular phenotype. Last evaluated: 2026-03-11. Review status: criteria provided, single submitter. Criteria: Ambry Variant Classification Scheme 2023. Collection method: clinical testing. Allele origin: germline.

All of Us Research Program, National Institutes of Health
Classification: Uncertain significance for Arrhythmogenic cardiomyopathy with wooly hair and keratoderma. Last evaluated: 2023-08-23. Review status: criteria provided, single submitter. Criteria: ACMG Guidelines, 2015. Collection method: clinical testing. Allele origin: germline. Inheritance: Autosomal dominant inheritance. Observed: 1 variant allele, 1 heterozygote.
Comment: This missense variant replaces leucine with histidine at codon 2538 of the DSP protein. Computational prediction suggests that this variant may not impact protein structure and function (internally defined REVEL score threshold <= 0.5, PMID: 27666373). To our knowledge, functional studies have not been reported for this variant. This variant has not been reported in individuals affected with DSP-related disorders in the literature. This variant has been identified in 1/251492 chromosomes in the general population by the Genome Aggregation Database (gnomAD). The available evidence is insufficient to determine the role of this variant in disease conclusively. Therefore, this variant is classified as a Variant of Uncertain Significance.

This study involves interpretation of variants in research participants for the purpose of population health screening. Participant phenotype was not available at the time of variant classification. Additional details can be found in publication PMID: 35346344, PMCID: PMC8962531